The following is an entry in ClinVar:

NM_001009944.3(PKD1):c.11411+10G>T

Genes: PKD1 (polycystin 1, transient receptor potential channel interacting; minus strand), PKD1-AS1 (PKD1 antisense RNA 1; plus strand). Cytogenetic location: 16p13.3.
Variant type: single nucleotide variant.
Coding change: c.11411+10G>T on transcript NM_001009944.3 (MANE Select); 10 bases into the intron after coding-DNA position 11411, G replaced by T.
Molecular consequence: intron variant.
Genome position (GRCh38, 1-based): chr16:2,092,037, C>A on the plus strand (G>T on the coding strand, the complement: PKD1 is on the minus strand). VCF-style: chr16-2092037-C-A. GRCh37 (hg19) VCF-style: chr16-2142038-C-A.
Other names: c.11408+10G>T (NM_000296.4).
Identifiers: ClinVar variation 4990893 (VCV004990893.1).

ClinVar aggregate classification (germline): Likely benign (1 of 4 stars; one submission).

Conditions:
PKD1-related disorder. Also called: PKD1-related condition.

Submission:

PreventionGenetics, part of Exact Sciences
Classification: Likely benign for PKD1-related condition. Last evaluated: 2026-05-11. Review status: criteria provided, single submitter. Criteria: ACMG Guidelines, 2015. Collection method: clinical testing. Allele origin: germline.
Comment: This variant is classified as likely benign based on ACMG/AMP sequence variant interpretation guidelines (Richards et al. 2015 PMID: 25741868, with internal and published modifications).